The following is an entry in ClinVar:

NM_138927.4(SON):c.4856C>T (p.Thr1619Ile)

Gene: SON (SON DNA and RNA binding protein; plus strand). Cytogenetic location: 21q22.11.
Variant type: single nucleotide variant.
Coding change: c.4856C>T on transcript NM_138927.4 (MANE Select); coding-DNA position 4856, C replaced by T.
Protein change: p.Thr1619Ile; replaces threonine 1619 with isoleucine.
Molecular consequence: missense variant. On other transcripts: intron variant (1), non-coding transcript variant (1).
Genome position (GRCh38, 1-based): chr21:33,554,087, C>T. VCF-style: chr21-33554087-C-T. GRCh37 (hg19) VCF-style: chr21-34926393-C-T.
Other names: c.245-3069C>T (NM_001291412.3); c.4856C>T, p.Thr1619Ile (NM_001291411.2, NM_032195.3); short protein forms T1619I.
Identifiers: ClinVar variation 3614118 (VCV003614118.2).

ClinVar aggregate classification (germline): Uncertain significance (1 of 4 stars; one submission).

Submission:

Labcorp Genetics (formerly Invitae), Labcorp
Classification: Uncertain significance. Last evaluated: 2024-08-08. Review status: criteria provided, single submitter. Criteria: Invitae Variant Classification Sherloc (09022015). Collection method: clinical testing. Allele origin: germline.
Comment: This sequence change replaces threonine, which is neutral and polar, with isoleucine, which is neutral and non-polar, at codon 1619 of the SON protein (p.Thr1619Ile). This variant is not present in population databases (gnomAD no frequency). This variant has not been reported in the literature in individuals affected with SON-related conditions. An algorithm developed to predict the effect of missense changes on protein structure and function (PolyPhen-2) suggests that this variant is likely to be tolerated. In summary, the available evidence is currently insufficient to determine the role of this variant in disease. Therefore, it has been classified as a Variant of Uncertain Significance.